The following is an entry in ClinVar:

ClinVar aggregate classification (germline): Pathogenic/Likely pathogenic. Review status: criteria provided, multiple submitters, no conflicts (2 of 4 stars). 7 submissions from 7 submitters: Pathogenic (4); Likely pathogenic (2). 1 of the submissions does not count toward it. Last evaluated 2025-11-26.

Conditions:
Niemann-Pick disease, type A. Also called: Infantile Neurovisceral ASMD (Niemann-Pick Disease Type A; NPD-A); SPHINGOMYELIN LIPIDOSIS; SPHINGOMYELINASE DEFICIENCY. Identifiers: Orphanet 77292, MedGen C0268242, MONDO:0009756, OMIM 257200. Disease mechanism: loss of function.
Niemann-Pick disease, type B. Also called: Chronic Visceral ASMD (Niemann-Pick Disease Type B; NPD-B). Identifiers: Orphanet 77293, MedGen C0268243, MONDO:0011871, OMIM 607616. Disease mechanism: loss of function.
Sphingomyelin/cholesterol lipidosis. Also called: Niemann-Pick disease. Identifiers: MedGen C0028064, MONDO:0001982.

Allele frequency attached by ClinVar (database versions not stated): gnomAD exomes below 0.00001.
gnomAD v4.1: 3 of 1,614,202 alleles (0.00019%); highest among the groups gnomAD compares: Non-Finnish European, 0.00025%; no homozygotes.

Submissions (7):

Natera, Inc.
Classification: Pathogenic for Niemann-Pick Disease, Types A/B. Last evaluated: 2025-11-26. Review status: criteria provided, single submitter. Criteria: Natera Variant Classification Schema (03/2026). Collection method: clinical testing. Allele origin: germline.
Comment: The c.1451C>A variant in SMPD1 is a missense variant predicted to cause substitution of alanine to glutamic acid at amino acid 484. This variant is rare in the general population with a frequency below the threshold expected for the associated phenotype(s). This variant has been observed in one or more individuals affected with the associated recessive disease, as either homozygous or compound heterozygous with a second variant (PMID: 19405096). Given the available evidence, this variant is classified as Pathogenic.

Labcorp Genetics (formerly Invitae), Labcorp
Classification: Pathogenic for Niemann-Pick disease, type B; Niemann-Pick disease, type A. Last evaluated: 2023-03-07. Review status: criteria provided, single submitter. Criteria: Invitae Variant Classification Sherloc (09022015). Collection method: clinical testing. Allele origin: germline.
Comment: ClinVar contains an entry for this variant (Variation ID: 2995). For these reasons, this variant has been classified as Pathogenic. Advanced modeling of protein sequence and biophysical properties (such as structural, functional, and spatial information, amino acid conservation, physicochemical variation, residue mobility, and thermodynamic stability) performed at Invitae indicates that this missense variant is expected to disrupt SMPD1 protein function. This variant is also known as c.1445C>A (p.A482E). This missense change has been observed in individual(s) with Niemann-Pick disease (PMID: 19405096). This variant is present in population databases (rs267607075, gnomAD 0.0009%). This sequence change replaces alanine, which is neutral and non-polar, with glutamic acid, which is acidic and polar, at codon 484 of the SMPD1 protein (p.Ala484Glu).

Baylor Genetics
Classification: Pathogenic for Niemann-Pick disease, type A. Last evaluated: 2022-04-04. Review status: criteria provided, single submitter. Criteria: ACMG Guidelines, 2015. Collection method: clinical testing. Allele origin: unknown.

Dasa
Classification: Likely pathogenic for Niemann-Pick disease, type B. Last evaluated: 2022-02-05. Review status: criteria provided, single submitter. Criteria: ACMG Guidelines, 2015. Collection method: clinical testing. Allele origin: germline. Affected: yes. Observed: 1 variant allele.
Comment: The c.1451C>A;p.(Ala484Glu) missense variant has been observed in affected individual(s) and ClinVar contains an entry for this variant (ClinVar ID: 2995; OMIM: 607608.0016; PMID: 19405096) - PS4_moderate. Well-established in vitro or in vivo functional studies supportive of a damaging effect on the gene or gene product (PMID: 19405096) - PS3_moderate. This variant is not present in population databases (rs267607075; gnomAD; ABraOM no frequency) - PM2. Multiple lines of computational evidence support a deleterious effect on the gene or gene product - PP3. In summary, the currently available evidence indicates that the variant is likely pathogenic.

Broad Center for Mendelian Genomics, Broad Institute of MIT and Harvard
Classification: Likely pathogenic for Sphingomyelin/cholesterol lipidosis. Last evaluated: 2020-01-29. Review status: criteria provided, single submitter. Criteria: ACMG Guidelines, 2015. Collection method: curation. Allele origin: germline. Inheritance: Autosomal recessive inheritance.
Comment: The p.Ala484Glu variant in SMPD1 (also known as p.Ala482Glu due to a difference in cDNA numbering) has been reported in 3 individuals with Niemann-Pick disease (PMID: 19405096) and has been identified in 0.001% (1/113758) of European (non-Finnish) chromosomes by the Genome Aggregation Database (gnomAD; dbSNP rs267607075). Although this variant has been seen in the general population, its frequency is low enough to be consistent with a recessive carrier frequency. In vitro functional studies provide some evidence that the p.Ala484Glu variant may impact protein function (PMID: 19405096, 26499107). However, these types of assays may not accurately represent biological function. Computational prediction tools and conservation analyses do not provide strong support for or against an impact to the protein. The presence of this variant in 1 homozygote and in combination with a reported pathogenic variant in 2 individuals with Niemann-Pick disease increases the likelihood that the p.Ala484Glu variant is pathogenic (VariationID: 198093; PMID: 19405096). One additional variant, resulting in a different amino acid change at the same position, p.Ala484Val, has been reported in association with disease in the literature (PMID: 23356216, 30912297). The phenotype of individuals homozygous and compound heterozygous for this variant is highly specific for Niemann-Pick disease based on acid sphingomyelinase activity being <10% of normal, consistent with disease (PMID: 19405096). In summary, although additional studies are required to fully establish its clinical significance, this variant is likely pathogenic. ACMG/AMP Criteria applied: PS3, PM2, PM3, PP4 (Richards 2015).

Women's Health and Genetics/Laboratory Corporation of America, LabCorp
Classification: Pathogenic. Last evaluated: 2018-12-24. Review status: criteria provided, single submitter. Criteria: LabCorp Variant Classification Summary - May 2015. Collection method: clinical testing. Allele origin: germline.
Comment: Variant summary: SMPD1 c.1451C>A (p.Ala484Glu) results in a non-conservative amino acid change in the encoded protein sequence. Three of four in-silico tools predict a damaging effect of the variant on protein function. The variant allele was found at a frequency of 4.1e-06 in 246364 control chromosomes (gnomAD). c.1451C>A has been reported in the literature in individuals affected with Niemann-Pick Disease Type A (Rodriguez-Pascau_2009). These data indicate that the variant is likely to be associated with disease. At least one publication reports experimental evidence evaluating an impact on protein function. The most pronounced variant effect results in <10% of normal activity (Rodriguez-Pascau_2009). No clinical diagnostic laboratories have submitted clinical-significance assessments for this variant to ClinVar after 2014. Based on the evidence outlined above, the variant was classified as pathogenic.

OMIM
Classification: Pathogenic for NIEMANN-PICK DISEASE, TYPE A. Last evaluated: 2009-07-01. Review status: no assertion criteria provided. Collection method: literature only. Allele origin: germline. Not counted in ClinVar's aggregate classification.

Literature cited by the submitters: PubMed 19405096 (cited by 6 submitters); PubMed 26499107 (cited by Broad Center for Mendelian Genomics, Broad Institute of MIT and Harvard and Women's Health and Genetics/Laboratory Corporation of America, LabCorp).

NM_000543.5(SMPD1):c.1451C>A (p.Ala484Glu)

Gene: SMPD1 (sphingomyelin phosphodiesterase 1; plus strand). Cytogenetic location: 11p15.4.
Variant type: single nucleotide variant.
Coding change: c.1451C>A on transcript NM_000543.5 (MANE Select); coding-DNA position 1451, C replaced by A.
Protein change: p.Ala484Glu; replaces alanine 484 with glutamic acid.
Molecular consequence: missense variant. On other transcripts: non-coding transcript variant (2).
Genome position (GRCh38, 1-based): chr11:6,394,006, C>A. VCF-style: chr11-6394006-C-A. GRCh37 (hg19) VCF-style: chr11-6415236-C-A.
Other names: A482E; c.1448C>A, p.Ala483Glu (NM_001007593.3); c.1451C>A, p.Ala484Glu (NM_001318087.2); c.530C>A, p.Ala177Glu (NM_001318088.2); c.1319C>A, p.Ala440Glu (NM_001365135.2); short protein forms A483E, A484E, A177E, A440E.
Identifiers: ClinVar variation 2995 (VCV000002995.16), dbSNP rs267607075, ClinGen allele CA252527.